The following is an entry in ClinVar:

ClinVar aggregate classification (germline): Uncertain significance (1 of 4 stars; one submission).

Conditions:
MHC class I deficiency. Identifiers: Orphanet 34592, MedGen C6024714, MONDO:0011476.

gnomAD v4.1: 8 of 1,614,086 alleles (0.0005%); highest among the groups gnomAD compares: East Asian, 0.018%; no homozygotes.

Submission:

Labcorp Genetics (formerly Invitae), Labcorp
Classification: Uncertain significance for MHC class I deficiency 1. Last evaluated: 2024-02-03. Review status: criteria provided, single submitter. Criteria: Invitae Variant Classification Sherloc (09022015). Collection method: clinical testing. Allele origin: germline.
Comment: This sequence change replaces leucine, which is neutral and non-polar, with valine, which is neutral and non-polar, at codon 217 of the TAPBP protein (p.Leu217Val). This variant is present in population databases (rs754141123, gnomAD 0.03%). This variant has not been reported in the literature in individuals affected with TAPBP-related conditions. Algorithms developed to predict the effect of missense changes on protein structure and function output the following: SIFT: "Not Available"; PolyPhen-2: "Benign"; Align-GVGD: "Not Available". The valine amino acid residue is found in multiple mammalian species, which suggests that this missense change does not adversely affect protein function. In summary, the available evidence is currently insufficient to determine the role of this variant in disease. Therefore, it has been classified as a Variant of Uncertain Significance.

NM_003190.5(TAPBP):c.649C>G (p.Leu217Val)

Gene: TAPBP (TAP binding protein; minus strand). Cytogenetic location: 6p21.32.
Variant type: single nucleotide variant.
Coding change: c.649C>G on transcript NM_003190.5 (MANE Select); coding-DNA position 649, C replaced by G.
Protein change: p.Leu217Val; replaces leucine 217 with valine.
Molecular consequence: missense variant.
Genome position (GRCh38, 1-based): chr6:33,305,208, G>C on the plus strand (C>G on the coding strand, the complement: TAPBP is on the minus strand). VCF-style: chr6-33305208-G-C. GRCh37 (hg19) VCF-style: chr6-33272985-G-C.
Other names: c.649C>G, p.Leu217Val (NM_001410875.1, NM_172208.3); c.388C>G, p.Leu130Val (NM_172209.3); short protein forms L130V, L217V.
Identifiers: ClinVar variation 3714749 (VCV003714749.2).